The following is an entry in ClinVar:

ClinVar aggregate classification (germline): Likely benign (1 of 4 stars; one submission).

Allele frequency attached by ClinVar (database versions not stated): ExAC 0.00037; 1000 Genomes Project 30x 0.00062; gnomAD 0.00088; TOPMed 0.00100; gnomAD exomes 0.00209.

Submission:

CeGaT Center for Human Genetics Tuebingen
Classification: Likely benign. Last evaluated: 2026-07-01. Review status: criteria provided, single submitter. Criteria: CeGaT Center For Human Genetics Tuebingen Variant Classification Criteria Version 2. Collection method: clinical testing. Allele origin: germline. Affected: yes. Observed: 10 variant alleles.
Comment: SDHAF2: BS1

NM_017841.4(SDHAF2):c.37-793A>G

Gene: SDHAF2 (succinate dehydrogenase complex assembly factor 2; plus strand). Cytogenetic location: 11q12.2.
Variant type: single nucleotide variant.
Coding change: c.37-793A>G on transcript NM_017841.4 (MANE Select); 793 bases into the intron before coding-DNA position 37, A replaced by G.
Molecular consequence: intron variant.
Genome position (GRCh38, 1-based): chr11:61,436,832, A>G. VCF-style: chr11-61436832-A-G. GRCh37 (hg19) VCF-style: chr11-61204304-A-G.
Identifiers: ClinVar variation 2641829 (VCV002641829.24), dbSNP rs550133978, ClinGen allele CA059182.